The following is an entry in ClinVar:

NM_006231.4(POLE):c.654dup (p.Val219fs)

Gene: POLE (DNA polymerase epsilon, catalytic subunit; minus strand). Cytogenetic location: 12q24.33.
Variant type: Duplication.
Coding change: c.654dup on transcript NM_006231.4 (MANE Select); coding-DNA position 654, one base duplicated (T; older notation c.654dupT).
Protein change: p.Val219fs; shifts the reading frame from valine 219.
Molecular consequence: frameshift variant.
Genome position (GRCh38, 1-based): chr12:132,677,644, A duplicated on the plus strand (T on the coding strand, the reverse complement: POLE is on the minus strand); the first of 2 consecutive A bases (chr12:132,677,644-132,677,645); duplicating either gives the same sequence. VCF-style (leftmost placement, unchanged base first): chr12-132677643-C-CA. GRCh37 (hg19) VCF-style: chr12-133254229-C-CA.
Other names: short protein forms V219fs.
Identifiers: ClinVar variation 1502397 (VCV001502397.9), dbSNP rs2136020791, ClinGen allele CA2573148196.

ClinVar aggregate classification (germline): Conflicting classifications of pathogenicity. Review status: criteria provided, conflicting classifications (1 of 4 stars). 2 submissions from 2 submitters: Pathogenic (1); Uncertain significance (1). Last evaluated 2024-07-02.

Submissions (2):

Labcorp Genetics (formerly Invitae), Labcorp
Classification: Pathogenic. Last evaluated: 2024-07-02. Review status: criteria provided, single submitter. Criteria: Invitae Variant Classification Sherloc (09022015). Collection method: clinical testing. Allele origin: germline.
Comment: This sequence change creates a premature translational stop signal (p.Val219Cysfs*17) in the POLE gene. It is expected to result in an absent or disrupted protein product. Loss-of-function variants in POLE are known to be pathogenic (PMID: 23230001, 25948378, 30503519). This variant is not present in population databases (gnomAD no frequency). This variant has not been reported in the literature in individuals affected with POLE-related conditions. ClinVar contains an entry for this variant (Variation ID: 1502397). For these reasons, this variant has been classified as Pathogenic.

Mendelics
Classification: Uncertain significance. Last evaluated: 2022-05-04. Review status: criteria provided, single submitter. Criteria: Mendelics Assertion Criteria 2019. Collection method: clinical testing. Allele origin: germline.

Literature cited by the submitters: PubMed 23230001 (cited by Labcorp Genetics (formerly Invitae), Labcorp); PubMed 25948378 (cited by Labcorp Genetics (formerly Invitae), Labcorp); PubMed 30503519 (cited by Labcorp Genetics (formerly Invitae), Labcorp).